The following is an entry in ClinVar:

ClinVar aggregate classification (germline): Uncertain significance (1 of 4 stars; one submission).

Submission:

Ambry Genetics
Classification: Uncertain significance. Last evaluated: 2025-05-25. Review status: criteria provided, single submitter. Criteria: Ambry Variant Classification Scheme 2023. Collection method: clinical testing. Allele origin: germline.
Comment: The p.T158S variant (also known as c.473C>G), located in coding exon 3 of the GEN1 gene, results from a C to G substitution at nucleotide position 473. The threonine at codon 158 is replaced by serine, an amino acid with similar properties. This amino acid position is conserved. In addition, this alteration is predicted to be tolerated by in silico analysis. Based on the available evidence, the clinical significance of this variant remains unclear.

NM_001130009.3(GEN1):c.473C>G (p.Thr158Ser)

Gene: GEN1 (GEN1 Holliday junction 5' flap endonuclease; plus strand). Cytogenetic location: 2p24.2.
Variant type: single nucleotide variant.
Coding change: c.473C>G on transcript NM_001130009.3 (MANE Select); coding-DNA position 473, C replaced by G.
Protein change: p.Thr158Ser; replaces threonine 158 with serine.
Molecular consequence: missense variant.
Genome position (GRCh38, 1-based): chr2:17,765,021, C>G. VCF-style: chr2-17765021-C-G. GRCh37 (hg19) VCF-style: chr2-17946288-C-G.
Other names: c.473C>G, p.Thr158Ser (NM_182625.5); short protein forms T158S.
Identifiers: ClinVar variation 4029318 (VCV004029318.1).